The following is an entry in ClinVar:

NM_001943.5(DSG2):c.2971G>T (p.Val991Leu)

Genes: DSG2 (desmoglein 2; plus strand), DSG2-AS1 (DSG2 antisense RNA 1; minus strand). Cytogenetic location: 18q12.1.
Variant type: single nucleotide variant.
Coding change: c.2971G>T on transcript NM_001943.5 (MANE Select); coding-DNA position 2971, G replaced by T.
Protein change: p.Val991Leu; replaces valine 991 with leucine.
Molecular consequence: missense variant.
Genome position (GRCh38, 1-based): chr18:31,546,357, G>T. VCF-style: chr18-31546357-G-T. GRCh37 (hg19) VCF-style: chr18-29126320-G-T.
Other names: short protein forms V991L.
Identifiers: ClinVar variation 2775246 (VCV002775246.2), dbSNP rs2510922623, ClinGen allele CA402147595.

ClinVar aggregate classification (germline): Uncertain significance (1 of 4 stars; one submission).

Conditions:
Cardiomyopathy (CMYO). Also called: Cardiomyopathies. Identifiers: Orphanet 167848, MedGen C0878544, MONDO:0004994, HP:0001638. Inheritance: Various modes of inheritance.

Submission:

Color Diagnostics, LLC DBA Color Health
Classification: Uncertain significance for Cardiomyopathy. Last evaluated: 2024-03-06. Review status: criteria provided, single submitter. Criteria: ACMG Guidelines, 2015. Collection method: clinical testing. Allele origin: germline.
Comment: This missense variant replaces valine with leucine at codon 991 of the DSG2 protein. Computational prediction suggests that this variant may not impact protein structure and function (internally defined REVEL score threshold <= 0.5, PMID: 27666373). To our knowledge, functional studies have not been reported for this variant. This variant has not been reported in individuals affected with cardiovascular disorders in the literature. This variant has not been identified in the general population by the Genome Aggregation Database (gnomAD). The available evidence is insufficient to determine the role of this variant in disease conclusively. Therefore, this variant is classified as a Variant of Uncertain Significance.